The following is an entry in ClinVar:

ClinVar aggregate classification (germline): Benign/Likely benign. Review status: criteria provided, multiple submitters, no conflicts (2 of 4 stars). 3 submissions from 3 submitters: Benign (1); Likely benign (1). 1 of the submissions does not count toward it. Last evaluated 2025-05-19.

Conditions:
ACTN1-related disorder. Also called: ACTN1-related condition.

Allele frequency attached by ClinVar (database versions not stated): ExAC 0.00018; ESP Exome Variant Server 0.00031; TOPMed 0.00042; gnomAD 0.00043; 1000 Genomes Project 0.00060; 1000 Genomes Project 30x 0.00062.
gnomAD v4.1: 113 of 1,614,040 alleles (0.007%); highest among the groups gnomAD compares: African/African-American, 0.11%; no homozygotes.

Submissions (4):

Labcorp Genetics (formerly Invitae), Labcorp
Classification: Benign. Last evaluated: 2025-05-19. Review status: criteria provided, single submitter. Criteria: Invitae Variant Classification Sherloc (09022015). Collection method: clinical testing. Allele origin: germline.

Blueprint Genetics
Classification: Likely benign. Last evaluated: 2023-10-27. Review status: criteria provided, single submitter. Criteria: ACMG Guidelines, 2015. Collection method: clinical testing. Allele origin: germline.

PreventionGenetics, part of Exact Sciences
Classification: Likely benign for ACTN1-related condition. Last evaluated: 2019-02-20. Review status: no assertion criteria provided. Collection method: clinical testing. Allele origin: germline. Not counted in ClinVar's aggregate classification.
Comment: This variant is classified as likely benign based on ACMG/AMP sequence variant interpretation guidelines (Richards et al. 2015 PMID: 25741868, with internal and published modifications).

Dr. Peter K. Rogan Lab, Western University
No classification provided (evidence only). Condition: Malignant tumor of urinary bladder. Review status: no classification provided. Collection method: in vitro. Allele origin: not applicable. Functional consequence: skipped exon. Not counted in ClinVar's aggregate classification.

NM_001130004.2(ACTN1):c.2070C>T (p.Gly690=)

Gene: ACTN1 (actinin alpha 1; minus strand). Cytogenetic location: 14q24.1.
Variant type: single nucleotide variant.
Coding change: c.2070C>T on transcript NM_001130004.2 (MANE Select); coding-DNA position 2070, C replaced by T.
Protein change: p.Gly690=; no amino-acid change (glycine 690 retained).
Molecular consequence: synonymous variant.
Genome position (GRCh38, 1-based): chr14:68,880,873, G>A on the plus strand (C>T on the coding strand, the complement: ACTN1 is on the minus strand). VCF-style: chr14-68880873-G-A. GRCh37 (hg19) VCF-style: chr14-69347590-G-A.
Other names: c.2070C>T, p.Gly690= (NM_001102.4, NM_001130005.2, NM_001424012.1 and 2 more transcripts); c.2094C>T, p.Gly698= (NM_001411035.1, NM_001424016.1); c.1875C>T, p.Gly625= (NM_001411036.1, NM_001424026.1, NM_001424028.1); c.2196C>T, p.Gly732= (NM_001424013.1); c.2157C>T, p.Gly719= (NM_001424015.1); c.2067C>T, p.Gly689= (NM_001424017.1); c.2031C>T, p.Gly677= (NM_001424018.1); c.1887C>T, p.Gly629= (NM_001424019.1, NM_001424024.1, NM_001424025.1 and 2 more transcripts); and 3 more.
Identifiers: ClinVar variation 2763624 (VCV002763624.7), dbSNP rs141643275, ClinGen allele CA7242189.
Genomic context (GRCh38, chr14:68,880,873, plus strand): 5'-CATGGTGTAGTTGGTGTGCTTGTTGTCGAAGATGAGCGCCTCCTGGATGAGCTGGTGGTC[G>A]CCCTCCAGCTGATCAATCTTTGGCTTGTAGTTGACGATGCTCTTCTCATACTGCCGCAGG-3'
Protein context (NP_001123476.1, residues 680-700): NYKPKIDQLE[Gly690=]DHQLIQEALI